The following is an entry in ClinVar:

ClinVar aggregate classification (germline): Likely pathogenic (1 of 4 stars; one submission).

Conditions:
Hyperinsulinemic hypoglycemia, familial, 1 (HHF1). Also called: HYPERINSULINISM, FAMILIAL, WITH PANCREATIC NESIDIOBLASTOSIS; HYPOGLYCEMIA, HYPERINSULINEMIC, OF INFANCY; NESIDIOBLASTOSIS OF PANCREAS; Persistent hyperinsulinemic hypoglycemia of infancy; Persistent Hyperinsulinemia Hypoglycemia of Infancy. Identifiers: Orphanet 276575, Orphanet 276598, MedGen C2931832, MONDO:0009734, OMIM 256450.

Submission:

Myriad Genetics, Inc.
Classification: Likely pathogenic for Hyperinsulinemic hypoglycemia, familial, 1. Last evaluated: 2022-02-25. Review status: criteria provided, single submitter. Criteria: Myriad Women's Health Autosomal Recessive and X-Linked Classification Criteria (2021). Collection method: clinical testing. Allele origin: unknown.
Comment: NM_000352.3(ABCC8):c.707_708delTC(F236Yfs*35) is expected to be pathogenic in the context of familial hyperinsulinism, ABCC8-related. This variant is predicted to lead to an abnormal or absent protein product due to the creation of a premature termination codon in ABCC8, a gene where loss-of-function variants are known to be pathogenic. Please note: this variant was assessed in the context of healthy population screening.

NM_000352.6(ABCC8):c.707_708del (p.Phe236fs)

Gene: ABCC8 (ATP binding cassette subfamily C member 8; minus strand). Cytogenetic location: 11p15.1.
Variant type: Deletion.
Coding change: c.707_708del on transcript NM_000352.6 (MANE Select); coding-DNA positions 707 to 708, 2 bases deleted (TC; older notation c.707_708delTC).
Protein change: p.Phe236fs; shifts the reading frame from phenylalanine 236.
Molecular consequence: frameshift variant. On other transcripts: non-coding transcript variant (1).
Genome position (GRCh38, 1-based): chr11:17,461,697-17,461,698, GA deleted on the plus strand (TC on the coding strand, the reverse complement: ABCC8 is on the minus strand). VCF-style (leftmost placement, unchanged base first): chr11-17461696-TGA-T. GRCh37 (hg19) VCF-style: chr11-17483243-TGA-T.
Other names: c.707_708del, p.Phe236fs (NM_001287174.3, NM_001351295.2, NM_001351296.2 and 1 more transcripts); short protein forms F236fs.
Identifiers: ClinVar variation 1724765 (VCV001724765.2), dbSNP rs2496853251, ClinGen allele CA2580082795.